The following is an entry in ClinVar:

NM_018685.5(ANLN):c.677T>C (p.Val226Ala)

Gene: ANLN (anillin, actin binding protein; plus strand). Cytogenetic location: 7p14.2.
Variant type: single nucleotide variant.
Coding change: c.677T>C on transcript NM_018685.5 (MANE Select); coding-DNA position 677, T replaced by C.
Protein change: p.Val226Ala; replaces valine 226 with alanine.
Molecular consequence: missense variant.
Genome position (GRCh38, 1-based): chr7:36,406,370, T>C. VCF-style: chr7-36406370-T-C. GRCh37 (hg19) VCF-style: chr7-36445979-T-C.
Other names: c.677T>C, p.Val226Ala (NM_001284301.3, NM_001284302.3); short protein forms V226A.
Identifiers: ClinVar variation 3644616 (VCV003644616.2).

ClinVar aggregate classification (germline): Uncertain significance (1 of 4 stars; one submission).

Submission:

Labcorp Genetics (formerly Invitae), Labcorp
Classification: Uncertain significance. Last evaluated: 2024-04-25. Review status: criteria provided, single submitter. Criteria: Invitae Variant Classification Sherloc (09022015). Collection method: clinical testing. Allele origin: germline.
Comment: This sequence change replaces valine, which is neutral and non-polar, with alanine, which is neutral and non-polar, at codon 226 of the ANLN protein (p.Val226Ala). This variant is not present in population databases (gnomAD no frequency). This variant has not been reported in the literature in individuals affected with ANLN-related conditions. Algorithms developed to predict the effect of missense changes on protein structure and function output the following: SIFT: "Not Available"; PolyPhen-2: "Benign"; Align-GVGD: "Not Available". The alanine amino acid residue is found in multiple mammalian species, which suggests that this missense change does not adversely affect protein function. In summary, the available evidence is currently insufficient to determine the role of this variant in disease. Therefore, it has been classified as a Variant of Uncertain Significance.